The following is an entry in ClinVar:

ClinVar aggregate classification (germline): Pathogenic (1 of 4 stars; one submission).

Conditions:
Joubert syndrome. Also called: Familial aplasia of the vermis; CEREBELLOPARENCHYMAL DISORDER IV; JOUBERT-BOLTSHAUSER SYNDROME. Identifiers: Orphanet 475, MedGen C5979921, MONDO:0018772.

Submission:

Prenatal Diagnosis Center, The Sixth Medical Center of PLA General Hospital
Classification: Pathogenic for Joubert syndrome. Last evaluated: 2020-05-06. Review status: criteria provided, single submitter. Criteria: ACMG Guidelines, 2015. Collection method: clinical testing. Allele origin: maternal. Inheritance: Autosomal recessive inheritance. Affected: yes. Observed: 2 variant alleles, 1 heterozygote, 1 compound heterozygote.
Comment: The novel variant, c. The maternal non-classical splicing variant, c.7691-4_7691-5TT>-, led an exon 39 skipping that would introduce a premature termination.

NM_001384732.1(CPLANE1):c.7691-5_7691-4del

Gene: CPLANE1 (ciliogenesis and planar polarity effector complex subunit 1; minus strand). Cytogenetic location: 5p13.2.
Variant type: Deletion.
Coding change: c.7691-5_7691-4del on transcript NM_001384732.1 (MANE Select); 5 bases into the intron before coding-DNA position 7691 through 4 bases into the intron before coding-DNA position 7691, 2 bases deleted (TT; older notation c.7691-5_7691-4delTT).
Molecular consequence: intron variant.
Genome position (GRCh38, 1-based): chr5:37,158,349-37,158,350, AA deleted on the plus strand (TT on the coding strand, the reverse complement: CPLANE1 is on the minus strand); deleting any 2 consecutive bases within chr5:37,158,349-37,158,352 gives the same sequence; the c. name uses the placement nearest the transcript's 3' end. VCF-style (leftmost placement, unchanged base first): chr5-37158348-GAA-G. GRCh37 (hg19) VCF-style: chr5-37158450-GAA-G.
Other names: c.7691-5_7691-4del (NM_023073.4).
Identifiers: ClinVar variation 984531 (VCV000984531.2), dbSNP rs1775783657, ClinGen allele CA1139658803.